The following is an entry in ClinVar:

ClinVar aggregate classification (germline): Likely benign (0 of 4 stars; one submission).

Conditions:
NUP188-related disorder. Also called: NUP188-related condition.

Allele frequency attached by ClinVar (database versions not stated): gnomAD exomes 0.00003; ExAC 0.00004; ESP Exome Variant Server 0.00008; 1000 Genomes Project 30x 0.00031; gnomAD 0.00039; 1000 Genomes Project 0.00040; TOPMed 0.00045.
gnomAD v4.1: 102 of 1,614,178 alleles (0.0063%); highest among the groups gnomAD compares: African/African-American, 0.12%; no homozygotes.

Submission:

PreventionGenetics, part of Exact Sciences
Classification: Likely benign for NUP188-related condition. Last evaluated: 2019-07-10. Review status: no assertion criteria provided. Collection method: clinical testing. Allele origin: germline.
Comment: This variant is classified as likely benign based on ACMG/AMP sequence variant interpretation guidelines (Richards et al. 2015 PMID: 25741868, with internal and published modifications).

NM_015354.3(NUP188):c.4077C>T (p.Thr1359=)

Gene: NUP188 (nucleoporin 188; plus strand). Cytogenetic location: 9q34.11.
Variant type: single nucleotide variant.
Coding change: c.4077C>T on transcript NM_015354.3 (MANE Select); coding-DNA position 4077, C replaced by T.
Protein change: p.Thr1359=; no amino-acid change (threonine 1359 retained).
Molecular consequence: synonymous variant.
Genome position (GRCh38, 1-based): chr9:129,001,916, C>T. VCF-style: chr9-129001916-C-T. GRCh37 (hg19) VCF-style: chr9-131764195-C-T.
Identifiers: ClinVar variation 3050588 (VCV003050588.2), dbSNP rs372759844, ClinGen allele CA5273191.